The following is an entry in ClinVar:

ClinVar aggregate classification (germline): Likely benign. Review status: reviewed by expert panel (3 of 4 stars). 7 submissions from 7 submitters: Likely benign (1). 6 of the submissions do not count toward it. Last evaluated 2017-06-29.

Conditions:
Hereditary cancer-predisposing syndrome. Also called: Hereditary neoplastic syndrome; Hereditary Cancer Syndrome; Neoplastic Syndromes, Hereditary; Tumor predisposition. Identifiers: Orphanet 140162, MedGen C0027672, MeSH D009386, MONDO:0015356.
Breast-ovarian cancer, familial, susceptibility to, 2 (BROVCA2). Also called: BRCA2 Hereditary Breast and Ovarian Cancer. Identifiers: Orphanet 145, MedGen C2675520, MONDO:0012933, OMIM 612555. Disease mechanism: loss of function.
Hereditary breast ovarian cancer syndrome. Also called: Hereditary breast and ovarian cancer syndrome; BRCA1- and BRCA2-Associated Hereditary Breast and Ovarian Cancer; Hereditary breast and/or ovarian cancer syndrome; Hereditary breast and ovarian cancer; Breast and ovarian cancer; Hereditary breast and ovarian cancer syndrome (HBOC). Identifiers: Orphanet 145, MedGen C0677776, MeSH D061325, MONDO:0003582. Disease mechanism: loss of function.

Allele frequency attached by ClinVar (database versions not stated): gnomAD 0.00001; TOPMed 0.00002; ESP Exome Variant Server 0.00008.
gnomAD v4.1: 1 of 1,607,470 alleles (0.000062%); highest among the groups gnomAD compares: African/African-American, 0.0013%; no homozygotes.

Submissions (7):

Evidence-based Network for the Interpretation of Germline Mutant Alleles (ENIGMA)
Classification: Likely benign for Breast-ovarian cancer, familial, susceptibility to, 2. Last evaluated: 2017-06-29. Review status: reviewed by expert panel. Criteria: ENIGMA BRCA1/2 Classification Criteria (2017-06-29). Collection method: curation. Allele origin: germline.
Comment: Synonymous substitution variant, with low bioinformatic likelihood to result in a splicing aberration (Splicing prior probability 0.02).

Labcorp Genetics (formerly Invitae), Labcorp
Classification: Likely benign for Hereditary breast ovarian cancer syndrome. Last evaluated: 2025-08-28. Review status: criteria provided, single submitter. Criteria: Invitae Variant Classification Sherloc (09022015). Collection method: clinical testing. Allele origin: germline. Not counted in ClinVar's aggregate classification.

Women's Health and Genetics/Laboratory Corporation of America, LabCorp
Classification: Likely benign. Last evaluated: 2019-08-21. Review status: criteria provided, single submitter. Criteria: LabCorp Variant Classification Summary - May 2015. Collection method: clinical testing. Allele origin: germline. Not counted in ClinVar's aggregate classification.

GeneDx
Classification: Likely benign. Last evaluated: 2019-03-21. Review status: criteria provided, single submitter. Criteria: GeneDx Variant Classification Process June 2021. Collection method: clinical testing. Allele origin: germline. Affected: yes. Not counted in ClinVar's aggregate classification.

Color Diagnostics, LLC DBA Color Health
Classification: Likely benign for Hereditary cancer-predisposing syndrome. Last evaluated: 2017-11-14. Review status: criteria provided, single submitter. Criteria: ACMG Guidelines, 2015. Collection method: clinical testing. Allele origin: germline. Not counted in ClinVar's aggregate classification.

Eurofins Ntd Llc (ga)
Classification: Uncertain significance. Last evaluated: 2016-10-06. Review status: criteria provided, single submitter. Criteria: EGL Classification Definitions 2015. Collection method: clinical testing. Allele origin: germline. Observed: 1 variant allele, 1 heterozygote. Not counted in ClinVar's aggregate classification.

Ambry Genetics
Classification: Likely benign for Hereditary cancer-predisposing syndrome. Last evaluated: 2016-02-23. Review status: criteria provided, single submitter. Criteria: Ambry Variant Classification Scheme 2023. Collection method: clinical testing. Allele origin: germline. Not counted in ClinVar's aggregate classification.

NM_000059.4(BRCA2):c.6288T>G (p.Pro2096=)

Gene: BRCA2 (BRCA2 DNA repair associated; plus strand). Cytogenetic location: 13q13.1.
Variant type: single nucleotide variant.
Coding change: c.6288T>G on transcript NM_000059.4 (MANE Select); coding-DNA position 6288, T replaced by G.
Protein change: p.Pro2096=; no amino-acid change (proline 2096 retained).
Molecular consequence: synonymous variant.
Genome position (GRCh38, 1-based): chr13:32,340,643, T>G. VCF-style: chr13-32340643-T-G. GRCh37 (hg19) VCF-style: chr13-32914780-T-G.
Identifiers: ClinVar variation 427411 (VCV000427411.26), dbSNP rs372527810, ClinGen allele CA247513444.